The following is an entry in ClinVar:

NM_000127.3(EXT1):c.110G>A (p.Arg37Lys)

Gene: EXT1 (exostosin glycosyltransferase 1; minus strand). Cytogenetic location: 8q24.11.
Variant type: single nucleotide variant.
Coding change: c.110G>A on transcript NM_000127.3 (MANE Select); coding-DNA position 110, G replaced by A.
Protein change: p.Arg37Lys; replaces arginine 37 with lysine.
Molecular consequence: missense variant.
Genome position (GRCh38, 1-based): chr8:118,110,937, C>T on the plus strand (G>A on the coding strand, the complement: EXT1 is on the minus strand). VCF-style: chr8-118110937-C-T. GRCh37 (hg19) VCF-style: chr8-119123176-C-T.
Other names: c.110G>A (NM_000127.2); short protein forms R37K.
Identifiers: ClinVar variation 1384047 (VCV001384047.7), dbSNP rs757411850, ClinGen allele CA4854419.
Genomic context (GRCh38, chr8:118,110,937, plus strand): 5'-CGGGGCCAGAAATGATCCGGACTGGGGTGGTGCAAGCCATTCCTACCGCTGTGTTCTTCT[C>T]TCCGGCTGTGGCTCCTCGATGCCCTAAACTGCAAGCCTCCGAAATAAAACAAAAGGGCGA-3'
Protein context (NP_000118.2, residues 27-47): QFRASRSHSR[Arg37Lys]EEHSGRNGLH

ClinVar aggregate classification (germline): Uncertain significance. Review status: criteria provided, multiple submitters, no conflicts (2 of 4 stars). 2 submissions from 2 submitters: Uncertain significance (2). Last evaluated 2025-04-01.

Conditions:
Inborn genetic diseases. Identifiers: MedGen C0950123, MeSH D030342.
Multiple congenital exostosis (EXT). Also called: Hereditary multiple exostoses; Hereditary multiple exostosis; Hereditary multiple osteochondromas; MULTIPLE CARTILAGINOUS EXOSTOSES; Multiple exostoses; Multiple osteochondromas. Identifiers: Orphanet 321, MedGen C0015306, MONDO:0005508, HP:0002762.

Allele frequency attached by ClinVar (database versions not stated): TOPMed below 0.00001; gnomAD 0.00001; gnomAD exomes 0.00001 and 0.00003; ExAC 0.00003.
gnomAD v4.1: 7 of 1,613,678 alleles (0.00043%); highest among the groups gnomAD compares: Admixed American, 0.01%; no homozygotes.

Submissions (2):

Ambry Genetics
Classification: Uncertain significance for Inborn genetic diseases. Last evaluated: 2025-04-01. Review status: criteria provided, single submitter. Criteria: Ambry Variant Classification Scheme 2023. Collection method: clinical testing. Allele origin: germline.

Labcorp Genetics (formerly Invitae), Labcorp
Classification: Uncertain significance for Multiple congenital exostosis. Last evaluated: 2022-10-24. Review status: criteria provided, single submitter. Criteria: Invitae Variant Classification Sherloc (09022015). Collection method: clinical testing. Allele origin: germline.
Comment: In summary, the available evidence is currently insufficient to determine the role of this variant in disease. Therefore, it has been classified as a Variant of Uncertain Significance. Advanced modeling of protein sequence and biophysical properties (such as structural, functional, and spatial information, amino acid conservation, physicochemical variation, residue mobility, and thermodynamic stability) performed at Invitae indicates that this missense variant is not expected to disrupt EXT1 protein function. ClinVar contains an entry for this variant (Variation ID: 1384047). This variant has not been reported in the literature in individuals affected with EXT1-related conditions. This variant is present in population databases (rs757411850, gnomAD 0.02%). This sequence change replaces arginine, which is basic and polar, with lysine, which is basic and polar, at codon 37 of the EXT1 protein (p.Arg37Lys).